The following is an entry in ClinVar:

NM_004370.6(COL12A1):c.633A>T (p.Pro211=)

Gene: COL12A1 (collagen type XII alpha 1 chain; minus strand). Cytogenetic location: 6q13.
Variant type: single nucleotide variant.
Coding change: c.633A>T on transcript NM_004370.6 (MANE Select); coding-DNA position 633, A replaced by T.
Protein change: p.Pro211=; no amino-acid change (proline 211 retained).
Molecular consequence: synonymous variant. On other transcripts: intron variant (2).
Genome position (GRCh38, 1-based): chr6:75,189,577, T>A on the plus strand (A>T on the coding strand, the complement: COL12A1 is on the minus strand). VCF-style: chr6-75189577-T-A. GRCh37 (hg19) VCF-style: chr6-75899293-T-A.
Other names: c.633A>T, p.Pro211= (NM_001424113.1, NM_001424114.1, NM_001424115.1); c.73+13143A>T (NM_001424116.1, NM_080645.3).
Identifiers: ClinVar variation 3028929 (VCV003028929.2), dbSNP rs541648868, ClinGen allele CA3894388.

ClinVar aggregate classification (germline): Likely benign (0 of 4 stars; one submission).

Conditions:
COL12A1-related disorder. Also called: COL12A1-related condition.

gnomAD v4.1: 1 of 1,612,964 alleles (0.000062%); highest among the groups gnomAD compares: Non-Finnish European, 0.000085%; no homozygotes.

Submission:

PreventionGenetics, part of Exact Sciences
Classification: Likely benign for COL12A1-related condition. Last evaluated: 2023-05-04. Review status: no assertion criteria provided. Collection method: clinical testing. Allele origin: germline.
Comment: This variant is classified as likely benign based on ACMG/AMP sequence variant interpretation guidelines (Richards et al. 2015 PMID: 25741868, with internal and published modifications).